The following is an entry in ClinVar:

ClinVar aggregate classification (germline): Likely benign. Review status: criteria provided, multiple submitters, no conflicts (2 of 4 stars). 3 submissions from 3 submitters: Likely benign (3). Last evaluated 2026-08-23.

Conditions:
Hereditary cancer-predisposing syndrome. Also called: Tumor predisposition; Hereditary neoplastic syndrome; Neoplastic Syndromes, Hereditary; Hereditary Cancer Syndrome. Identifiers: Orphanet 140162, MedGen C0027672, MeSH D009386, MONDO:0015356.
Tuberous sclerosis 2 (TSC2). Identifiers: Orphanet 805, MedGen C1860707, MONDO:0013199, OMIM 613254.

Allele frequency attached by ClinVar (database versions not stated): gnomAD exomes 0.00003; ExAC 0.00004; gnomAD 0.00001.
gnomAD v4.1: 19 of 1,605,162 alleles (0.0012%); highest among the groups gnomAD compares: South Asian, 0.021%; 1 homozygote.

Submissions (3):

Ambry Genetics
Classification: Likely benign for Hereditary cancer-predisposing syndrome. Last evaluated: 2026-08-23. Review status: criteria provided, single submitter. Criteria: Ambry Variant Classification Scheme 2023. Collection method: clinical testing. Allele origin: germline.

Labcorp Genetics (formerly Invitae), Labcorp
Classification: Likely benign for Tuberous sclerosis 2. Last evaluated: 2024-10-30. Review status: criteria provided, single submitter. Criteria: Invitae Variant Classification Sherloc (09022015). Collection method: clinical testing. Allele origin: germline.

Myriad Genetics, Inc.
Classification: Likely benign for Tuberous sclerosis 2. Last evaluated: 2024-08-20. Review status: criteria provided, single submitter. Criteria: Myriad Autosomal Dominant, Autosomal Recessive and X-Linked Classification Criteria (2023). Collection method: clinical testing. Allele origin: unknown.
Comment: This variant is considered likely benign. This variant has been observed at a population frequency that is significantly greater than expected given the associated disease prevalence and penetrance.

NM_000548.5(TSC2):c.4367T>A (p.Leu1456His)

Gene: TSC2 (TSC complex subunit 2; plus strand). Cytogenetic location: 16p13.3.
Variant type: single nucleotide variant.
Coding change: c.4367T>A on transcript NM_000548.5 (MANE Select); coding-DNA position 4367, T replaced by A.
Protein change: p.Leu1456His; replaces leucine 1456 with histidine.
Molecular consequence: missense variant.
Genome position (GRCh38, 1-based): chr16:2,084,589, T>A. VCF-style: chr16-2084589-T-A. GRCh37 (hg19) VCF-style: chr16-2134590-T-A.
Other names: c.4367T>A (NM_000548.3); c.4166T>A, p.Leu1389His (NM_001077183.3); c.4298T>A, p.Leu1433His (NM_001114382.3); c.4058T>A, p.Leu1353His (NM_001318827.2); c.4022T>A, p.Leu1341His (NM_001318829.2); c.3635T>A, p.Leu1212His (NM_001318831.2); c.4199T>A, p.Leu1400His (NM_001318832.2); c.4169T>A, p.Leu1390His (NM_001363528.2); and 2 more; short protein forms L1341H, L1353H, L1389H, L1390H, L1400H, L1412H, L1413H, L1433H.
Identifiers: ClinVar variation 1654457 (VCV001654457.10), dbSNP rs777669350, ClinGen allele CA050998.